The following is an entry in ClinVar:

ClinVar aggregate classification (germline): Uncertain significance (1 of 4 stars; one submission).

Conditions:
Kabuki syndrome. Also called: Kabuki make-up syndrome; NIIKAWA-KUROKI SYNDROME. Identifiers: Orphanet 2322, MedGen C0796004, MONDO:0016512.

Allele frequency attached by ClinVar (database versions not stated): gnomAD exomes below 0.00001.
gnomAD v4.1: 5 of 1,612,150 alleles (0.00031%); highest among the groups gnomAD compares: Non-Finnish European, 0.00042%; no homozygotes.

Submission:

Labcorp Genetics (formerly Invitae), Labcorp
Classification: Uncertain significance for Kabuki syndrome. Last evaluated: 2024-01-05. Review status: criteria provided, single submitter. Criteria: Invitae Variant Classification Sherloc (09022015). Collection method: clinical testing. Allele origin: germline.
Comment: This sequence change replaces alanine, which is neutral and non-polar, with threonine, which is neutral and polar, at codon 4050 of the KMT2D protein (p.Ala4050Thr). This variant is not present in population databases (gnomAD no frequency). This variant has not been reported in the literature in individuals affected with KMT2D-related conditions. Advanced modeling of protein sequence and biophysical properties (such as structural, functional, and spatial information, amino acid conservation, physicochemical variation, residue mobility, and thermodynamic stability) performed at Invitae indicates that this missense variant is not expected to disrupt KMT2D protein function with a negative predictive value of 95%. In summary, the available evidence is currently insufficient to determine the role of this variant in disease. Therefore, it has been classified as a Variant of Uncertain Significance.

NM_003482.4(KMT2D):c.12148G>A (p.Ala4050Thr)

Gene: KMT2D (lysine methyltransferase 2D; minus strand). Cytogenetic location: 12q13.12.
Variant type: single nucleotide variant.
Coding change: c.12148G>A on transcript NM_003482.4 (MANE Select); coding-DNA position 12148, G replaced by A.
Protein change: p.Ala4050Thr; replaces alanine 4050 with threonine.
Molecular consequence: missense variant.
Genome position (GRCh38, 1-based): chr12:49,032,557, C>T on the plus strand (G>A on the coding strand, the complement: KMT2D is on the minus strand). VCF-style: chr12-49032557-C-T. GRCh37 (hg19) VCF-style: chr12-49426340-C-T.
Other names: short protein forms A4050T.
Identifiers: ClinVar variation 2743531 (VCV002743531.3), dbSNP rs2498358590, ClinGen allele CA384712808.